The following is an entry in ClinVar:

NM_001145678.3(KIAA0825):c.1847G>C (p.Trp616Ser)

Gene: KIAA0825 (KIAA0825; minus strand). Cytogenetic location: 5q15.
Variant type: single nucleotide variant.
Coding change: c.1847G>C on transcript NM_001145678.3 (MANE Select); coding-DNA position 1847, G replaced by C.
Protein change: p.Trp616Ser; replaces tryptophan 616 with serine.
Molecular consequence: missense variant. On other transcripts: non-coding transcript variant (1).
Genome position (GRCh38, 1-based): chr5:94,469,986, C>G on the plus strand (G>C on the coding strand, the complement: KIAA0825 is on the minus strand). VCF-style: chr5-94469986-C-G. GRCh37 (hg19) VCF-style: chr5-93805691-C-G.
Other names: c.1847G>C, p.Trp616Ser (NM_001385712.1, NM_001385713.1, NM_001388325.1); short protein forms W616S.
Identifiers: ClinVar variation 4532009 (VCV004532009.1).

ClinVar aggregate classification (germline): Uncertain significance (1 of 4 stars; one submission).

Conditions:
Polydactyly, postaxial, type a10. Identifiers: MedGen C5193129, MONDO:0032785, OMIM 618498.

gnomAD v4.1: 17 of 1,551,486 alleles (0.0011%); highest among the groups gnomAD compares: African/African-American, 0.0014%; no homozygotes.

Submission:

Victorian Clinical Genetics Services, Murdoch Childrens Research Institute
Classification: Uncertain significance for Polydactyly, postaxial, type a10. Last evaluated: 2024-11-07. Review status: criteria provided, single submitter. Criteria: ACMG Guidelines, 2015. Collection method: clinical testing. Allele origin: germline. Affected: yes.
Comment: This variant is classified as VUS-3A. Evidence in support of pathogenic classification: Variant is present in gnomAD <0.01 for a recessive condition (v4: 17 heterozygote(s), 0 homozygote(s)); Missense variant consistently predicted to be damaging by an in silico tool or highly conserved with a major amino acid change; Strong phenotype match for this individual. Additional information: Variant is predicted to result in a missense amino acid change from tryptophan to serine; This variant is heterozygous; This gene is associated with autosomal recessive disease; This variant has no previous evidence of pathogenicity; No published segregation evidence has been identified for this variant; No published functional evidence has been identified for this variant; No comparable missense variants have previous evidence for pathogenicity; Variant is located in the annotated DUF4495 domain (DECIPHER). - Loss of function is a known mechanism of disease in this gene and is associated with polydactyly, postaxial, type A10 (MIM#618498).